The following is an entry in ClinVar:

NM_000548.5(TSC2):c.4509G>A (p.Gln1503=)

Gene: TSC2 (TSC complex subunit 2; plus strand). Cytogenetic location: 16p13.3.
Variant type: single nucleotide variant.
Coding change: c.4509G>A on transcript NM_000548.5 (MANE Select); coding-DNA position 4509, G replaced by A.
Protein change: p.Gln1503=; no amino-acid change (glutamine 1503 retained).
Molecular consequence: synonymous variant.
Genome position (GRCh38, 1-based): chr16:2,084,966, G>A. VCF-style: chr16-2084966-G-A. GRCh37 (hg19) VCF-style: chr16-2134967-G-A.
Other names: c.4308G>A, p.Gln1436= (NM_001077183.3); c.4440G>A, p.Gln1480= (NM_001114382.3); c.4200G>A, p.Gln1400= (NM_001318827.2); c.4164G>A, p.Gln1388= (NM_001318829.2); c.3777G>A, p.Gln1259= (NM_001318831.2); c.4341G>A, p.Gln1447= (NM_001318832.2); c.4311G>A, p.Gln1437= (NM_001363528.2); c.4377G>A, p.Gln1459= (NM_001370404.1); and 1 more.
Identifiers: ClinVar variation 468093 (VCV000468093.28), dbSNP rs45517349, ClinGen allele CA493043366.

ClinVar aggregate classification (germline): Conflicting classifications of pathogenicity. Review status: criteria provided, conflicting classifications (1 of 4 stars). 3 submissions from 3 submitters: Uncertain significance (1); Benign (1); Likely benign (1). Last evaluated 2025-06-04.

Conditions:
Tuberous sclerosis 2 (TSC2). Identifiers: Orphanet 805, MedGen C1860707, MONDO:0013199, OMIM 613254.

Allele frequency attached by ClinVar (database versions not stated): TOPMed below 0.00001.

Submissions (3):

Myriad Genetics, Inc.
Classification: Benign for Tuberous sclerosis 2. Last evaluated: 2025-06-04. Review status: criteria provided, single submitter. Criteria: Myriad Autosomal Dominant, Autosomal Recessive and X-Linked Classification Criteria (2023). Collection method: clinical testing. Allele origin: unknown.
Comment: This variant is considered benign. This variant is a silent/synonymous amino acid change and it is not expected to impact splicing.

Labcorp Genetics (formerly Invitae), Labcorp
Classification: Likely benign for Tuberous sclerosis 2. Last evaluated: 2024-07-13. Review status: criteria provided, single submitter. Criteria: Invitae Variant Classification Sherloc (09022015). Collection method: clinical testing. Allele origin: germline.

CeGaT Center for Human Genetics Tuebingen
Classification: Uncertain significance. Last evaluated: 2024-07-01. Review status: criteria provided, single submitter. Criteria: CeGaT Center For Human Genetics Tuebingen Variant Classification Criteria Version 2. Collection method: clinical testing. Allele origin: germline. Affected: yes. Observed: 1 variant allele.
Comment: TSC2: PM2:Supporting, BP4